The following is an entry in ClinVar:

NM_153212.3(GJB4):c.587T>C (p.Ile196Thr)

Gene: GJB4 (gap junction protein beta 4; plus strand). Cytogenetic location: 1p34.3.
Variant type: single nucleotide variant.
Coding change: c.587T>C on transcript NM_153212.3 (MANE Select); coding-DNA position 587, T replaced by C.
Protein change: p.Ile196Thr; replaces isoleucine 196 with threonine.
Molecular consequence: missense variant.
Genome position (GRCh38, 1-based): chr1:34,761,841, T>C. VCF-style: chr1-34761841-T-C. GRCh37 (hg19) VCF-style: chr1-35227442-T-C.
Other names: short protein forms I196T.
Identifiers: ClinVar variation 1711908 (VCV001711908.2), dbSNP rs1639726128, ClinGen allele CA339302767.
Genomic context (GRCh38, chr1:34,761,841, plus strand): 5'-ACATCTCCCGGCCCACGGAGAAGAAGGTCTTCACCTACTTCATGGTGACCACAGCTGCCA[T>C]CTGCATCCTGCTCAACCTCAGTGAAGTCTTCTACCTGGTGGGCAAGAGGTGCATGGAGAT-3'
Protein context (NP_694944.1, residues 186-206): FTYFMVTTAA[Ile196Thr]CILLNLSEVF

ClinVar aggregate classification (germline): Uncertain significance (1 of 4 stars; one submission).

Allele frequency attached by ClinVar (database versions not stated): gnomAD exomes below 0.00001; gnomAD 0.00001.
gnomAD v4.1: 2 of 1,614,066 alleles (0.00012%); highest among the groups gnomAD compares: Admixed American, 0.0033%; no homozygotes.

Submission:

GeneDx
Classification: Uncertain significance. Last evaluated: 2022-04-22. Review status: criteria provided, single submitter. Criteria: GeneDx Variant Classification Process June 2021. Collection method: clinical testing. Allele origin: germline. Affected: yes.
Comment: Has not been previously published as pathogenic or benign to our knowledge; Not observed at significant frequency in large population cohorts (gnomAD); In silico analysis supports that this missense variant has a deleterious effect on protein structure/function